The following is an entry in ClinVar:

NM_031942.5(CDCA7):c.1327A>T (p.Lys443Ter)

Gene: CDCA7 (cell division cycle associated 7; plus strand). Cytogenetic location: 2q31.1.
Variant type: single nucleotide variant.
Coding change: c.1327A>T on transcript NM_031942.5 (MANE Select); coding-DNA position 1327, A replaced by T.
Protein change: p.Lys443Ter; replaces lysine 443 with a stop codon.
Molecular consequence: nonsense.
Genome position (GRCh38, 1-based): chr2:173,367,638, A>T. VCF-style: chr2-173367638-A-T. GRCh37 (hg19) VCF-style: chr2-174232366-A-T.
Other names: c.1090A>T, p.Lys364Ter (NM_145810.3); short protein forms K364*, K443*.
Identifiers: ClinVar variation 4881986 (VCV004881986.2).

ClinVar aggregate classification (germline): Uncertain significance (1 of 4 stars; one submission).

gnomAD v4.1: 1 of 1,614,212 alleles (0.000062%); highest among the groups gnomAD compares: Non-Finnish European, 0.000085%; no homozygotes.

Submission:

Dasa
Classification: Uncertain significance. Last evaluated: 2025-04-14. Review status: criteria provided, single submitter. Criteria: DASA Assertion Criteria. Collection method: clinical testing. Allele origin: germline.
Comment: NM_031942.5(CDCA7):c.1327A>T (p.Lys443*) is a nonsense variant in CDCA7 predicted to introduce a premature termination codon and is predicted to result in an absent or altered protein product. This variant is rare in population databases. The currently available literature and clinical evidence are not sufficient to establish a definitive association between this variant and the reported condition. Therefore, this variant is classified as a variant of uncertain significance.